The following is an entry in ClinVar:

NM_001378120.1(MBD5):c.678A>T (p.Ser226=)

Gene: MBD5 (methyl-CpG binding domain protein 5; plus strand). Cytogenetic location: 2q23.1.
Variant type: single nucleotide variant.
Coding change: c.678A>T on transcript NM_001378120.1 (MANE Select); coding-DNA position 678, A replaced by T.
Protein change: p.Ser226=; no amino-acid change (serine 226 retained).
Molecular consequence: synonymous variant.
Genome position (GRCh38, 1-based): chr2:148,468,621, A>T. VCF-style: chr2-148468621-A-T. GRCh37 (hg19) VCF-style: chr2-149226190-A-T.
Other names: c.678A>T, p.Ser226= (NM_018328.5).
Identifiers: ClinVar variation 388174 (VCV000388174.1), dbSNP rs1057523021, ClinGen allele CA16603826.
Genomic context (GRCh38, chr2:148,468,621, plus strand): 5'-TGAACATGGACAGAAATCTCCATTCCGTGGCAGCCATGGAGGCCTGCCCAGCCCAGCGTC[A>T]TCAGGTTCCCAGATATATGGAGATGGTTCAATCTCTCCAAGGACTGACCCACTTGGAAGT-3'
Protein context (NP_001365049.1, residues 216-236): GSHGGLPSPA[Ser226=]SGSQIYGDGS

ClinVar aggregate classification (germline): Likely benign (1 of 4 stars; one submission).

Allele frequency attached by ClinVar (database versions not stated): gnomAD exomes below 0.00001; TOPMed 0.00001.
gnomAD v4.1: 1 of 1,613,958 alleles (0.000062%); highest among the groups gnomAD compares: African/African-American, 0.0013%; no homozygotes.

Submission:

GeneDx
Classification: Likely benign. Last evaluated: 2016-08-03. Review status: criteria provided, single submitter. Criteria: GeneDx Variant Classification (06012015). Collection method: clinical testing. Allele origin: germline. Affected: yes.
Comment: This variant is considered likely benign or benign based on one or more of the following criteria: it is a conservative change, it occurs at a poorly conserved position in the protein, it is predicted to be benign by multiple in silico algorithms, and/or has population frequency not consistent with disease.